The following is an entry in ClinVar:

NM_005120.3(MED12):c.2596C>T (p.His866Tyr)

Gene: MED12 (mediator complex subunit 12; plus strand). Cytogenetic location: Xq13.1.
Variant type: single nucleotide variant.
Coding change: c.2596C>T on transcript NM_005120.3 (MANE Select); coding-DNA position 2596, C replaced by T.
Protein change: p.His866Tyr; replaces histidine 866 with tyrosine.
Molecular consequence: missense variant.
Genome position (GRCh38, 1-based): chrX:71,126,395, C>T. VCF-style: chrX-71126395-C-T. GRCh37 (hg19) VCF-style: chrX-70346245-C-T.
Other names: short protein forms H866Y.
Identifiers: ClinVar variation 1314292 (VCV001314292.3), dbSNP rs2147796486, ClinGen allele CA413515798.

ClinVar aggregate classification (germline): Uncertain significance. Review status: criteria provided, multiple submitters, no conflicts (2 of 4 stars). 2 submissions from 2 submitters: Uncertain significance (2). Last evaluated 2023-11-07.

Conditions:
MED12-related intellectual disability syndrome. Identifiers: MedGen CN305246, MONDO:0100000.

Submissions (2):

Illumina Laboratory Services, Illumina
Classification: Uncertain significance for MED12-related intellectual disability syndrome. Last evaluated: 2023-11-07. Review status: criteria provided, single submitter. Criteria: ISL SNV Classification Criteria 03 February 2026. Collection method: clinical testing. Allele origin: unknown.
Comment: The MED12 c.2596C>T p.(His866Tyr) missense variant has not, to our knowledge, been reported in the peer-reviewed literature. This variant is not observed in version 2.1.1 or version 3.1.2 of the Genome Aggregation Database. Based on the available evidence, the c.2596C>T p.(His866Tyr) variant is classified as a variant of uncertain significance for MED12-related disorders.

GeneDx
Classification: Uncertain significance. Last evaluated: 2020-01-21. Review status: criteria provided, single submitter. Criteria: GeneDx Variant Classification Process June 2021. Collection method: clinical testing. Allele origin: germline. Affected: yes.
Comment: Not observed in large population cohorts (Lek et al., 2016); In silico analysis, which includes protein predictors and evolutionary conservation, supports that this variant does not alter protein structure/function; Has not been previously published as pathogenic or benign to our knowledge